The following is an entry in ClinVar:

ClinVar aggregate classification (germline): Uncertain significance (1 of 4 stars; one submission).

Submission:

GeneDx
Classification: Uncertain significance. Last evaluated: 2023-05-18. Review status: criteria provided, single submitter. Criteria: GeneDx Variant Classification Process June 2021. Collection method: clinical testing. Allele origin: germline. Affected: yes.
Comment: Not observed at significant frequency in large population cohorts (gnomAD); In silico analysis supports that this missense variant does not alter protein structure/function; Has not been previously published as pathogenic or benign to our knowledge

NM_001195553.2(DCX):c.874A>G (p.Lys292Glu)

Gene: DCX (doublecortin; minus strand). Cytogenetic location: Xq23.
Variant type: single nucleotide variant.
Coding change: c.874A>G on transcript NM_001195553.2 (MANE Select); coding-DNA position 874, A replaced by G.
Protein change: p.Lys292Glu; replaces lysine 292 with glutamic acid.
Molecular consequence: missense variant.
Genome position (GRCh38, 1-based): chrX:111,330,976, T>C on the plus strand (A>G on the coding strand, the complement: DCX is on the minus strand). VCF-style: chrX-111330976-T-C. GRCh37 (hg19) VCF-style: chrX-110574204-T-C.
Other names: c.1117A>G, p.Lys373Glu (NM_000555.3); c.874A>G, p.Lys292Glu (NM_001369370.1, NM_001369371.1, NM_001369372.1 and 6 more transcripts); short protein forms K292E, K373E.
Identifiers: ClinVar variation 2662606 (VCV002662606.1), dbSNP rs2524691697, ClinGen allele CA414241247.